The following is an entry in ClinVar:

ClinVar aggregate classification (germline): Benign/Likely benign. Review status: criteria provided, multiple submitters, no conflicts (2 of 4 stars). 5 submissions from 5 submitters: Benign (2); Likely benign (2). 1 of the submissions does not count toward it. Last evaluated 2026-04-27.

Conditions:
Idiopathic generalized epilepsy. Also called: Generalised epilepsy; EIG. Identifiers: MedGen C0270850, MONDO:0005579, OMIM 600669.
Hyperaldosteronism, familial, type IV (HALD4). Also called: FH IV; ALDOSTERONISM, PRIMARY, AND HYPERTENSION. Identifiers: Orphanet 642671, MedGen C4310756, MONDO:0014875, OMIM 617027.
CACNA1H-related disorder.
Epilepsy, childhood absence, susceptibility to, 6. Identifiers: Orphanet 64280, MedGen C2749872, MONDO:0012763, OMIM 611942.

Allele frequency attached by ClinVar (database versions not stated): gnomAD exomes 0.00008 and 0.00024; ExAC 0.00036; ESP Exome Variant Server 0.00041; TOPMed 0.00058; gnomAD 0.00065 and 0.00068; 1000 Genomes Project 0.00100; 1000 Genomes Project 30x 0.00109.
gnomAD v4.1: 212 of 1,598,786 alleles (0.013%); highest among the groups gnomAD compares: African/African-American, 0.2%; no homozygotes.

Submissions (5):

Women's Health and Genetics/Laboratory Corporation of America, LabCorp
Classification: Benign. Last evaluated: 2026-04-27. Review status: criteria provided, single submitter. Criteria: LabCorp Variant Classification Summary - May 2015. Collection method: clinical testing. Allele origin: germline.
Comment: Variant summary: CACNA1H c.2310C>T results in a synonymous change. The variant allele was found at a frequency of 0.00024 in 231210 control chromosomes, predominantly at a frequency of 0.002 within the African or African-American subpopulation in the gnomAD database. The observed variant frequency within African or African-American control individuals in the gnomAD database exceeds the estimated maximal expected allele frequency for disease-causing variants in CACNA1H. To our knowledge, no occurrence of c.2310C>T in individuals affected with CACNA1H-related conditions and no experimental evidence demonstrating its impact on protein function have been reported. ClinVar contains an entry for this variant (Variation ID: 529678). Based on the evidence outlined above, the variant was classified as benign.

Labcorp Genetics (formerly Invitae), Labcorp
Classification: Benign for Idiopathic generalized epilepsy; Hyperaldosteronism, familial, type IV. Last evaluated: 2026-01-09. Review status: criteria provided, single submitter. Criteria: Invitae Variant Classification Sherloc (09022015). Collection method: clinical testing. Allele origin: germline.

Blueprint Genetics
Classification: Likely benign. Last evaluated: 2024-11-25. Review status: criteria provided, single submitter. Criteria: ACMG Guidelines, 2015. Collection method: clinical testing. Allele origin: germline.

Fulgent Genetics
Classification: Likely benign for Epilepsy, childhood absence, susceptibility to, 6; Hyperaldosteronism, familial, type IV. Last evaluated: 2021-07-01. Review status: criteria provided, single submitter. Criteria: ACMG Guidelines, 2015. Collection method: clinical testing. Allele origin: unknown.

PreventionGenetics, part of Exact Sciences
Classification: Likely benign for CACNA1H-related condition. Last evaluated: 2021-06-02. Review status: no assertion criteria provided. Collection method: clinical testing. Allele origin: germline. Not counted in ClinVar's aggregate classification.
Comment: This variant is classified as likely benign based on ACMG/AMP sequence variant interpretation guidelines (Richards et al. 2015 PMID: 25741868, with internal and published modifications).

NM_021098.3(CACNA1H):c.2310C>T (p.Gly770=)

Gene: CACNA1H (calcium voltage-gated channel subunit alpha1 H; plus strand). Cytogenetic location: 16p13.3.
Variant type: single nucleotide variant.
Coding change: c.2310C>T on transcript NM_021098.3 (MANE Select); coding-DNA position 2310, C replaced by T.
Protein change: p.Gly770=; no amino-acid change (glycine 770 retained).
Molecular consequence: synonymous variant.
Genome position (GRCh38, 1-based): chr16:1,204,317, C>T. VCF-style: chr16-1204317-C-T. GRCh37 (hg19) VCF-style: chr16-1254317-C-T.
Other names: c.2310C>T, p.Gly770= (NM_001005407.2).
Identifiers: ClinVar variation 529678 (VCV000529678.17), dbSNP rs371026871, ClinGen allele CA7800198.
Genomic context (GRCh38, chr16:1,204,317, plus strand): 5'-CACACCAGGCCCAGGCCCAGGCAGCCCCCAGCGGCGGGCACAGCAGAGGGCAGCCCCGGG[C>T]GAGCCAGGCTGGATGGGCCGCCTCTGGGTTACCTTCAGCGGCAAGCTGCGCCGCATCGTG-3'
Protein context (NP_066921.2, residues 760-780): QRRAQQRAAP[Gly770=]EPGWMGRLWV